The following is an entry in ClinVar:

ClinVar aggregate classification (germline): Uncertain significance (1 of 4 stars; one submission).

Conditions:
Ataxia-telangiectasia syndrome (AT). Also called: Ataxia-telangiectasia; AT, COMPLEMENTATION GROUP C; ATAXIA-TELANGIECTASIA, COMPLEMENTATION GROUP A; ATAXIA-TELANGIECTASIA, FRESNO VARIANT; Ataxia-telangiectasia, complementation group E; LOUIS-BAR SYNDROME. Identifiers: Orphanet 100, MedGen C0004135, MONDO:0008840, OMIM 208900.

Submission:

Labcorp Genetics (formerly Invitae), Labcorp
Classification: Uncertain significance for Ataxia-telangiectasia syndrome. Last evaluated: 2022-03-31. Review status: criteria provided, single submitter. Criteria: Invitae Variant Classification Sherloc (09022015). Collection method: clinical testing. Allele origin: germline.
Comment: In summary, the available evidence is currently insufficient to determine the role of this variant in disease. Therefore, it has been classified as a Variant of Uncertain Significance. Experimental studies and prediction algorithms are not available or were not evaluated, and the functional significance of this variant is currently unknown. This variant has not been reported in the literature in individuals affected with ATM-related conditions. This variant is not present in population databases (gnomAD no frequency). This variant, c.2396_2407del, is a complex sequence change that results in the deletion of 5 and insertion of 1 amino acid(s) in the ATM protein (p.Ala799_Phe803delinsVal).

NM_000051.4(ATM):c.2396_2407del (p.Ala799_Phe803delinsVal)

Gene: ATM (ATM serine/threonine kinase; plus strand). Cytogenetic location: 11q22.3.
Variant type: Deletion.
Coding change: c.2396_2407del on transcript NM_000051.4 (MANE Select); coding-DNA positions 2396 to 2407, 12 bases deleted (CATCTGGCTTTT).
Protein change: p.Ala799_Phe803delinsVal.
Molecular consequence: inframe indel.
Genome position (GRCh38, 1-based): chr11:108,259,005-108,259,016, CATCTGGCTTTT deleted. VCF-style (leftmost placement, unchanged base first): chr11-108259004-GCATCTGGCTTTT-G. GRCh37 (hg19) VCF-style: chr11-108129731-GCATCTGGCTTTT-G.
Other names: c.2396_2407del, p.Ala799_Phe803delinsVal (NM_001351834.2).
Identifiers: ClinVar variation 2119728 (VCV002119728.4), dbSNP rs2497417387, ClinGen allele CA2580083361.